The following is an entry in ClinVar:

NC_000022.11:g.40345898_40345911del

Gene: ADSL (adenylosuccinate lyase; plus strand). Cytogenetic location: 22q13.1.
Variant type: Deletion.
Genome position: GRCh38 VCF-style: chr22-40345896-CTGGGATTACAGGCG-C. GRCh37 (hg19) VCF-style: chr22-40741900-CTGGGATTACAGGCG-C.
Identifiers: ClinVar variation 1902771 (VCV001902771.6), dbSNP rs1441243416, ClinGen allele CA753179721.

ClinVar aggregate classification (germline): Uncertain significance (1 of 4 stars; one submission).

Conditions:
Adenylosuccinate lyase deficiency (ADSLD). Also called: ADSL DEFICIENCY. Identifiers: Orphanet 46, MedGen C0268126, MONDO:0007068, OMIM 103050.

Submission:

Labcorp Genetics (formerly Invitae), Labcorp
Classification: Uncertain significance for Adenylosuccinate lyase deficiency. Last evaluated: 2023-07-27. Review status: criteria provided, single submitter. Criteria: Invitae Variant Classification Sherloc (09022015). Collection method: clinical testing. Allele origin: germline.
Comment: This variant has not been reported in the literature in individuals affected with ADSL-related conditions. In summary, the available evidence is currently insufficient to determine the role of this variant in disease. Therefore, it has been classified as a Variant of Uncertain Significance. Experimental studies and prediction algorithms are not available or were not evaluated, and the functional significance of this variant is currently unknown. This variant is not present in population databases (gnomAD no frequency). This variant occurs in a non-coding region of the ADSL gene. It does not change the encoded amino acid sequence of the ADSL protein.